The following is an entry in ClinVar:

NM_000138.5(FBN1):c.6514G>T (p.Val2172Phe)

Gene: FBN1 (fibrillin 1; minus strand). Cytogenetic location: 15q21.1.
Variant type: single nucleotide variant.
Coding change: c.6514G>T on transcript NM_000138.5 (MANE Select); coding-DNA position 6514, G replaced by T.
Protein change: p.Val2172Phe; replaces valine 2172 with phenylalanine.
Molecular consequence: missense variant.
Genome position (GRCh38, 1-based): chr15:48,434,696, C>A on the plus strand (G>T on the coding strand, the complement: FBN1 is on the minus strand). VCF-style: chr15-48434696-C-A. GRCh37 (hg19) VCF-style: chr15-48726893-C-A.
Other names: c.6514G>T, p.Val2172Phe (NM_001406716.1); short protein forms V2172F.
Identifiers: ClinVar variation 2015310 (VCV002015310.4), dbSNP rs1243025749, ClinGen allele CA392335227.

ClinVar aggregate classification (germline): Uncertain significance (1 of 4 stars; one submission).

Conditions:
Familial thoracic aortic aneurysm and aortic dissection (TAAD). Also called: Thoracic aortic aneurysms and dissections. Identifiers: Orphanet 91387, MedGen C4707243, MONDO:0019625.
Marfan syndrome (MFS). Also called: MARFAN SYNDROME, TYPE I; Marfan syndrome type 1; Marfan's syndrome; Marfan syndrome, classic; FBN1-Related Marfan Syndrome. Identifiers: Orphanet 284963, Orphanet 558, MedGen C0024796, MONDO:0007947, OMIM 154700.

Submission:

Labcorp Genetics (formerly Invitae), Labcorp
Classification: Uncertain significance for Marfan syndrome; Familial thoracic aortic aneurysm and aortic dissection. Last evaluated: 2022-07-09. Review status: criteria provided, single submitter. Criteria: Invitae Variant Classification Sherloc (09022015). Collection method: clinical testing. Allele origin: germline.
Comment: Algorithms developed to predict the effect of missense changes on protein structure and function are either unavailable or do not agree on the potential impact of this missense change (SIFT: "Deleterious"; PolyPhen-2: "Possibly Damaging"; Align-GVGD: "Class C0"). In summary, the available evidence is currently insufficient to determine the role of this variant in disease. Therefore, it has been classified as a Variant of Uncertain Significance. This variant has not been reported in the literature in individuals affected with FBN1-related conditions. This sequence change replaces valine, which is neutral and non-polar, with phenylalanine, which is neutral and non-polar, at codon 2172 of the FBN1 protein (p.Val2172Phe). This variant is not present in population databases (gnomAD no frequency).